The following is an entry in ClinVar:

NM_001278669.2(NFATC1):c.875G>A (p.Arg292Gln)

Gene: NFATC1 (nuclear factor of activated T cells 1; plus strand). Cytogenetic location: 18q23.
Variant type: single nucleotide variant.
Coding change: c.875G>A on transcript NM_001278669.2 (MANE Select); coding-DNA position 875, G replaced by A.
Protein change: p.Arg292Gln; replaces arginine 292 with glutamine.
Molecular consequence: missense variant. On other transcripts: intron variant (2).
Genome position (GRCh38, 1-based): chr18:79,411,150, G>A. VCF-style: chr18-79411150-G-A. GRCh37 (hg19) VCF-style: chr18-77171150-G-A.
Other names: c.875G>A, p.Arg292Gln (NM_001278670.2, NM_006162.5, NM_172390.3); c.836G>A, p.Arg279Gln (NM_001278672.2, NM_001278675.2, NM_172387.3 and 1 more transcripts); c.-191+14799G>A (NM_172388.3); c.-191+10671G>A (NM_001278673.2); short protein forms R279Q, R292Q.
Identifiers: ClinVar variation 3615958 (VCV003615958.2).

ClinVar aggregate classification (germline): Uncertain significance (1 of 4 stars; one submission).

gnomAD v4.1: 15 of 1,612,346 alleles (0.00093%); highest among the groups gnomAD compares: Non-Finnish European, 0.0012%; no homozygotes.

Submission:

Labcorp Genetics (formerly Invitae), Labcorp
Classification: Uncertain significance. Last evaluated: 2024-10-07. Review status: criteria provided, single submitter. Criteria: Invitae Variant Classification Sherloc (09022015). Collection method: clinical testing. Allele origin: germline.
Comment: This sequence change replaces arginine, which is basic and polar, with glutamine, which is neutral and polar, at codon 292 of the NFATC1 protein (p.Arg292Gln). This variant is present in population databases (rs752685843, gnomAD 0.007%). This variant has not been reported in the literature in individuals affected with NFATC1-related conditions. An algorithm developed to predict the effect of missense changes on protein structure and function (PolyPhen-2) suggests that this variant is likely to be disruptive. Algorithms developed to predict the effect of sequence changes on RNA splicing suggest that this variant may create or strengthen a splice site. In summary, the available evidence is currently insufficient to determine the role of this variant in disease. Therefore, it has been classified as a Variant of Uncertain Significance.